The following is an entry in ClinVar:

ClinVar aggregate classification (germline): Pathogenic (1 of 4 stars; one submission).

Conditions:
Supravalvar aortic stenosis (SVAS). Also called: Supravalvar aortic stenosis, Eisenberg type. Identifiers: Orphanet 3193, MedGen C0003499, MONDO:0008504, OMIM 185500, HP:0004381.

Submission:

Labcorp Genetics (formerly Invitae), Labcorp
Classification: Pathogenic for Supravalvar aortic stenosis. Last evaluated: 2023-05-26. Review status: criteria provided, single submitter. Criteria: Invitae Variant Classification Sherloc (09022015). Collection method: clinical testing. Allele origin: germline.
Comment: This variant has not been reported in the literature in individuals affected with ELN-related conditions. This sequence change creates a premature translational stop signal (p.Gly431Valfs*33) in the ELN gene. It is expected to result in an absent or disrupted protein product. Loss-of-function variants in ELN are known to be pathogenic (PMID: 11175284). This variant is not present in population databases (gnomAD no frequency). Algorithms developed to predict the effect of sequence changes on RNA splicing suggest that this variant may create or strengthen a splice site. For these reasons, this variant has been classified as Pathogenic.

Literature cited by the submitters: PubMed 11175284.

NM_000501.4(ELN):c.1292del (p.Gly431fs)

Gene: ELN (elastin; plus strand). Cytogenetic location: 7q11.23.
Variant type: Deletion.
Coding change: c.1292del on transcript NM_000501.4 (MANE Select); coding-DNA position 1292, one base deleted (G; older notation c.1292delG).
Protein change: p.Gly431fs; shifts the reading frame from glycine 431.
Molecular consequence: frameshift variant. On other transcripts: intron variant (2).
Genome position (GRCh38, 1-based): chr7:74,056,412, G deleted; the last of 2 consecutive G bases (chr7:74,056,411-74,056,412); deleting either gives the same sequence. VCF-style (leftmost placement, unchanged base first): chr7-74056410-AG-A. GRCh37 (hg19) VCF-style: chr7-73470740-AG-A.
Other names: c.1262del, p.Gly421fs (NM_001081752.3, NM_001278917.2); c.1307del, p.Gly436fs (NM_001081753.3, NM_001081754.3); c.1292del, p.Gly431fs (NM_001081755.3, NM_001278912.2, NM_001278915.2 and 1 more transcripts); c.1277del, p.Gly426fs (NM_001278914.2); c.1250del, p.Gly417fs (NM_001278916.2); c.1129+55del (NM_001278913.2); c.1105+55del (NM_001278918.2); short protein forms G421fs, G436fs, G417fs, G431fs, G426fs.
Identifiers: ClinVar variation 2730893 (VCV002730893.3), dbSNP rs2486027825, ClinGen allele CA2697557331.